The following is an entry in ClinVar:

ClinVar aggregate classification (germline): Uncertain significance (1 of 4 stars; one submission).

Conditions:
Pure or complex autosomal recessive spastic paraplegia. Identifiers: Orphanet 320346, MedGen C5679887, MONDO:0017915.

gnomAD v4.1: 2 of 1,613,936 alleles (0.00012%); highest among the groups gnomAD compares: Admixed American, 0.0033%; no homozygotes.

Submission:

Labcorp Genetics (formerly Invitae), Labcorp
Classification: Uncertain significance for Pure or complex autosomal recessive spastic paraplegia. Last evaluated: 2025-10-27. Review status: criteria provided, single submitter. Criteria: Invitae Variant Classification Sherloc (09022015). Collection method: clinical testing. Allele origin: germline.
Comment: This sequence change replaces alanine, which is neutral and non-polar, with threonine, which is neutral and polar, at codon 104 of the ZFR protein (p.Ala104Thr). This variant is not present in population databases (gnomAD no frequency). This variant has not been reported in the literature in individuals affected with ZFR-related conditions. An algorithm developed to predict the effect of missense changes on protein structure and function (PolyPhen-2) suggests that this variant is likely to be disruptive. In summary, the available evidence is currently insufficient to determine the role of this variant in disease. Therefore, it has been classified as a Variant of Uncertain Significance.

NM_016107.5(ZFR):c.310G>A (p.Ala104Thr)

Gene: ZFR (zinc finger RNA binding protein; minus strand). Cytogenetic location: 5p13.3.
Variant type: single nucleotide variant.
Coding change: c.310G>A on transcript NM_016107.5 (MANE Select); coding-DNA position 310, G replaced by A.
Protein change: p.Ala104Thr; replaces alanine 104 with threonine.
Molecular consequence: missense variant. On other transcripts: non-coding transcript variant (1).
Genome position (GRCh38, 1-based): chr5:32,419,931, C>T on the plus strand (G>A on the coding strand, the complement: ZFR is on the minus strand). VCF-style: chr5-32419931-C-T. GRCh37 (hg19) VCF-style: chr5-32420036-C-T.
Other names: short protein forms A104T.
Identifiers: ClinVar variation 4761199 (VCV004761199.1).